The following is an entry in ClinVar:

NM_004304.5(ALK):c.2014A>G (p.Arg672Gly)

Gene: ALK (ALK receptor tyrosine kinase; minus strand). Cytogenetic location: 2p23.2.
Variant type: single nucleotide variant.
Coding change: c.2014A>G on transcript NM_004304.5 (MANE Select); coding-DNA position 2014, A replaced by G.
Protein change: p.Arg672Gly; replaces arginine 672 with glycine.
Molecular consequence: missense variant.
Genome position (GRCh38, 1-based): chr2:29,275,126, T>C on the plus strand (A>G on the coding strand, the complement: ALK is on the minus strand). VCF-style: chr2-29275126-T-C. GRCh37 (hg19) VCF-style: chr2-29497992-T-C.
Other names: short protein forms R672G.
Identifiers: ClinVar variation 3724704 (VCV003724704.2).

ClinVar aggregate classification (germline): Uncertain significance (1 of 4 stars; one submission).

Conditions:
Neuroblastoma, susceptibility to, 3. Also called: ALK-Related Neuroblastic Tumor Susceptibility. Identifiers: Orphanet 635, MedGen C2751681, MONDO:0013083, OMIM 613014.

Submission:

Labcorp Genetics (formerly Invitae), Labcorp
Classification: Uncertain significance for Neuroblastoma, susceptibility to, 3. Last evaluated: 2024-11-05. Review status: criteria provided, single submitter. Criteria: Invitae Variant Classification Sherloc (09022015). Collection method: clinical testing. Allele origin: germline.
Comment: This sequence change replaces arginine, which is basic and polar, with glycine, which is neutral and non-polar, at codon 672 of the ALK protein (p.Arg672Gly). This variant is not present in population databases (gnomAD no frequency). This variant has not been reported in the literature in individuals affected with ALK-related conditions. An algorithm developed to predict the effect of missense changes on protein structure and function outputs the following: PolyPhen-2: "Benign". The glycine amino acid residue is found in multiple mammalian species, which suggests that this missense change does not adversely affect protein function. In summary, the available evidence is currently insufficient to determine the role of this variant in disease. Therefore, it has been classified as a Variant of Uncertain Significance.